The following is an entry in ClinVar:

NM_001267550.2(TTN):c.39883C>A (p.Pro13295Thr)

Gene: TTN (titin; minus strand). Cytogenetic location: 2q31.2.
Variant type: single nucleotide variant.
Coding change: c.39883C>A on transcript NM_001267550.2 (MANE Select); coding-DNA position 39883, C replaced by A.
Protein change: p.Pro13295Thr; replaces proline 13295 with threonine.
Molecular consequence: missense variant. On other transcripts: intron variant (3).
Genome position (GRCh38, 1-based): chr2:178,649,829, G>T on the plus strand (C>A on the coding strand, the complement: TTN is on the minus strand). VCF-style: chr2-178649829-G-T. GRCh37 (hg19) VCF-style: chr2-179514556-G-T.
Other names: p.P11788T:CCG>ACG; c.35362C>A, p.Pro11788Thr (NM_001256850.1); c.32581C>A, p.Pro10861Thr (NM_133378.4); c.13283-7512C>A (NM_003319.4); c.13859-7512C>A (NM_133437.4); c.13658-7512C>A (NM_133432.3); short protein forms P11788T, P13295T, P10861T.
Identifiers: ClinVar variation 202608 (VCV000202608.9), dbSNP rs749860520, ClinGen allele CA309738.

ClinVar aggregate classification (germline): Uncertain significance. Review status: criteria provided, multiple submitters, no conflicts (2 of 4 stars). 4 submissions from 4 submitters: Uncertain significance (4). Last evaluated 2021-08-11.

Conditions:
Dilated cardiomyopathy 1G (CMD1G). Identifiers: Orphanet 154, MedGen C1858763, MONDO:0011400, OMIM 604145.
Autosomal recessive limb-girdle muscular dystrophy type 2J (LGMDR10). Also called: MUSCULAR DYSTROPHY, LIMB-GIRDLE, AUTOSOMAL RECESSIVE 10; Limb-girdle muscular dystrophy, type 2J. Identifiers: Orphanet 140922, MedGen C1837342, MONDO:0012127, OMIM 608807.
Myopathy, myofibrillar, 9, with early respiratory failure (MFM9). Also called: EDSTROM MYOPATHY; MYOPATHY, PROXIMAL, WITH EARLY RESPIRATORY MUSCLE INVOLVEMENT; Myopathy, distal, with early respiratory failure, autosomal dominant; Hereditary myopathy with early respiratory failure. Identifiers: Orphanet 178464, Orphanet 34521, MedGen C1863599, MONDO:0011362, OMIM 603689.
Early-onset myopathy with fatal cardiomyopathy (CMYO5). Also called: CONGENITAL MYOPATHY 5 WITH CARDIOMYOPATHY; Salih Myopathy. Identifiers: Orphanet 289377, MedGen C2673677, MONDO:0012714, OMIM 611705. Disease mechanism: loss of function.
Hypertrophic cardiomyopathy 9. Also called: Familial hypertrophic cardiomyopathy 9. Identifiers: MedGen C1861065, MONDO:0013412, OMIM 613765.
Tibial muscular dystrophy (TMD). Also called: UDD MYOPATHY; Tibial muscular dystrophy, tardive; Udd Distal Myopathy – Tibial Muscular Dystrophy. Identifiers: Orphanet 609, MedGen C1838244, MONDO:0010870, OMIM 600334.

Allele frequency attached by ClinVar (database versions not stated): TOPMed below 0.00001; ExAC 0.00001; gnomAD exomes 0.00001.
gnomAD v4.1: 39 of 1,612,494 alleles (0.0024%); highest among the groups gnomAD compares: Non-Finnish European, 0.0033%; no homozygotes.

Submissions (4):

Fulgent Genetics
Classification: Uncertain significance for Tibial muscular dystrophy; Myopathy, myofibrillar, 9, with early respiratory failure; Dilated cardiomyopathy 1G; Autosomal recessive limb-girdle muscular dystrophy type 2J; Early-onset myopathy with fatal cardiomyopathy; Hypertrophic cardiomyopathy 9. Last evaluated: 2021-08-11. Review status: criteria provided, single submitter. Criteria: ACMG Guidelines, 2015. Collection method: clinical testing. Allele origin: unknown.

Labcorp Genetics (formerly Invitae), Labcorp
Classification: Uncertain significance for Dilated cardiomyopathy 1G; Autosomal recessive limb-girdle muscular dystrophy type 2J. Last evaluated: 2017-04-14. Review status: criteria provided, single submitter. Criteria: Invitae Variant Classification Sherloc (09022015). Collection method: clinical testing. Allele origin: germline.

Eurofins Ntd Llc (ga)
Classification: Uncertain significance. Last evaluated: 2015-10-08. Review status: criteria provided, single submitter. Criteria: EGL Classification Definitions 2015. Collection method: clinical testing. Allele origin: germline. Observed: 1 variant allele, 1 heterozygote.

GeneDx
Classification: Uncertain significance. Last evaluated: 2014-02-20. Review status: criteria provided, single submitter. Criteria: GeneDx Variant Classification (06012015). Collection method: clinical testing. Allele origin: germline. Affected: yes.
Comment: Missense variants in the TTN gene are considered 'unclassified' if they are not previously reported in the literature and do not have >1% frequency in the population to be considered a polymorphism. Research indicates that truncating mutations in the TTN gene are expected to account for approximately 25% of familial and 18% of sporadic idiopathic DCM; however, truncating variants in the TTN gene have been reported in approximately 3% of reported control alleles. There has been little investigation into non-truncating variants. (Herman D et al. Truncations of titin causing dilated cardiomyopathy. N Eng J Med 366:619-628, 2012) The variant is found in DCM-CRDM panel(s).